The following is an entry in ClinVar:

ClinVar aggregate classification (germline): Benign (1 of 4 stars; one submission).

Allele frequency attached by ClinVar (database versions not stated): 1000 Genomes Project 0.28335; 1000 Genomes Project 30x 0.29091; TOPMed 0.38297; gnomAD 0.40110 and 0.40592.
gnomAD v4.1: 60,858 of 151,978 alleles (40%); highest among the groups gnomAD compares: Non-Finnish European, 49%; 13,107 homozygotes.

Submission:

GeneDx
Classification: Benign. Last evaluated: 2018-06-19. Review status: criteria provided, single submitter. Criteria: GeneDx Variant Classification (06012015). Collection method: clinical testing. Allele origin: germline. Affected: yes.
Comment: This variant is considered likely benign or benign based on one or more of the following criteria: it is a conservative change, it occurs at a poorly conserved position in the protein, it is predicted to be benign by multiple in silico algorithms, and/or has population frequency not consistent with disease.

NM_133259.4(LRPPRC):c.470-302A>G

Gene: LRPPRC (leucine rich pentatricopeptide repeat containing; minus strand). Cytogenetic location: 2p21.
Variant type: single nucleotide variant.
Coding change: c.470-302A>G on transcript NM_133259.4 (MANE Select); 302 bases into the intron before coding-DNA position 470, A replaced by G.
Molecular consequence: intron variant.
Genome position (GRCh38, 1-based): chr2:43,977,578, T>C on the plus strand (A>G on the coding strand, the complement: LRPPRC is on the minus strand). VCF-style: chr2-43977578-T-C. GRCh37 (hg19) VCF-style: chr2-44204717-T-C.
Identifiers: ClinVar variation 684309 (VCV000684309.1), dbSNP rs6736282, ClinGen allele CA11150665.